The following is an entry in ClinVar:

NM_003839.4(TNFRSF11A):c.1346G>A (p.Cys449Tyr)

Gene: TNFRSF11A (TNF receptor superfamily member 11a; plus strand). Cytogenetic location: 18q21.33.
Variant type: single nucleotide variant.
Coding change: c.1346G>A on transcript NM_003839.4 (MANE Select); coding-DNA position 1346, G replaced by A.
Protein change: p.Cys449Tyr; replaces cysteine 449 with tyrosine.
Molecular consequence: missense variant. On other transcripts: intron variant (3).
Genome position (GRCh38, 1-based): chr18:62,369,263, G>A. VCF-style: chr18-62369263-G-A. GRCh37 (hg19) VCF-style: chr18-60036496-G-A.
Other names: c.1304G>A, p.Cys435Tyr (NM_001278268.2); c.783+2503G>A (NM_001270949.2); c.730+7470G>A (NM_001270950.2); c.616+9214G>A (NM_001270951.2); short protein forms C435Y, C449Y.
Identifiers: ClinVar variation 1503260 (VCV001503260.8), dbSNP rs1246474963, ClinGen allele CA402617788.

ClinVar aggregate classification (germline): Uncertain significance (1 of 4 stars; one submission).

Submission:

Labcorp Genetics (formerly Invitae), Labcorp
Classification: Uncertain significance. Last evaluated: 2024-07-08. Review status: criteria provided, single submitter. Criteria: Invitae Variant Classification Sherloc (09022015). Collection method: clinical testing. Allele origin: germline.
Comment: This sequence change replaces cysteine, which is neutral and slightly polar, with tyrosine, which is neutral and polar, at codon 449 of the TNFRSF11A protein (p.Cys449Tyr). This variant is not present in population databases (gnomAD no frequency). This variant has not been reported in the literature in individuals affected with TNFRSF11A-related conditions. ClinVar contains an entry for this variant (Variation ID: 1503260). An algorithm developed to predict the effect of missense changes on protein structure and function (PolyPhen-2) suggests that this variant is likely to be disruptive. In summary, the available evidence is currently insufficient to determine the role of this variant in disease. Therefore, it has been classified as a Variant of Uncertain Significance.